The following is an entry in ClinVar:

NM_018474.6(KIZ):c.805A>T (p.Lys269Ter)

Gene: KIZ (kizuna centrosomal protein; plus strand). Cytogenetic location: 20p11.23.
Variant type: single nucleotide variant.
Coding change: c.805A>T on transcript NM_018474.6 (MANE Select); coding-DNA position 805, A replaced by T.
Protein change: p.Lys269Ter; replaces lysine 269 with a stop codon.
Molecular consequence: nonsense.
Genome position (GRCh38, 1-based): chr20:21,162,270, A>T. VCF-style: chr20-21162270-A-T. GRCh37 (hg19) VCF-style: chr20-21142911-A-T.
Other names: c.496A>T, p.Lys166Ter (NM_001163022.3, NM_001352435.2); c.406A>T, p.Lys136Ter (NM_001163023.3); c.658A>T, p.Lys220Ter (NM_001276389.2); c.805A>T, p.Lys269Ter (NM_001352434.2); c.463A>T, p.Lys155Ter (NM_001352436.2); short protein forms K136*, K155*, K220*, K166*, K269*.
Identifiers: ClinVar variation 2820150 (VCV002820150.3), dbSNP rs2519757098, ClinGen allele CA408492773.
Genomic context (GRCh38, chr20:21,162,270, plus strand): 5'-ACTCATTGCTTGGAGATAGGAAGTAACACACGTCATGGCAAGAGTAATTTATCTGAAGGC[A>T]AAAAGTCTGCTGAACTCAATTCCCCGTTACGGGAAAGATTAAGTCCAGAGAACAGAACCA-3'

ClinVar aggregate classification (germline): Pathogenic (1 of 4 stars; one submission).

Submission:

Labcorp Genetics (formerly Invitae), Labcorp
Classification: Pathogenic. Last evaluated: 2022-12-11. Review status: criteria provided, single submitter. Criteria: Invitae Variant Classification Sherloc (09022015). Collection method: clinical testing. Allele origin: germline.
Comment: This sequence change creates a premature translational stop signal (p.Lys269*) in the KIZ gene. It is expected to result in an absent or disrupted protein product. Loss-of-function variants in KIZ are known to be pathogenic (PMID: 24680887, 29057815). This variant is not present in population databases (gnomAD no frequency). This variant has not been reported in the literature in individuals affected with KIZ-related conditions. For these reasons, this variant has been classified as Pathogenic.

Literature cited by the submitters: PubMed 24680887; PubMed 29057815.